The following is an entry in ClinVar:

ClinVar aggregate classification (germline): Pathogenic (1 of 4 stars; one submission).

Conditions:
Hereditary cancer-predisposing syndrome. Also called: Neoplastic Syndromes, Hereditary; Tumor predisposition; Hereditary Cancer Syndrome; Hereditary neoplastic syndrome. Identifiers: Orphanet 140162, MedGen C0027672, MeSH D009386, MONDO:0015356.

gnomAD v4.1: 1 of 1,597,984 alleles (0.000063%); highest among the groups gnomAD compares: Non-Finnish European, 0.000086%; no homozygotes.

Submission:

Ambry Genetics
Classification: Pathogenic for Hereditary cancer-predisposing syndrome. Last evaluated: 2022-08-30. Review status: criteria provided, single submitter. Criteria: Ambry Variant Classification Scheme 2023. Collection method: clinical testing. Allele origin: germline.
Comment: The c.1744-22C>G intronic pathogenic mutation results from a C to G substitution 22 nucleotides upstream from coding exon 14 in the APC gene. This alteration has been observed in multiple individuals with a personal and/or family history that is consistent with APC-related disease (Ambry internal data). RNA studies have demonstrated that this alteration results in abnormal splicing in the set of samples tested (Ambry internal data). This nucleotide position is well conserved in available vertebrate species. In silico splice site analysis predicts that this alteration will not have any significant effect on splicing. This variant is considered to be rare based on population cohorts in the Genome Aggregation Database (gnomAD). Based on the supporting evidence, this alteration is interpreted as a disease-causing mutation.

NM_000038.6(APC):c.1744-22C>G

Gene: APC (APC regulator of Wnt signaling pathway; plus strand). Cytogenetic location: 5q22.2.
Variant type: single nucleotide variant.
Coding change: c.1744-22C>G on transcript NM_000038.6 (MANE Select); 22 bases into the intron before coding-DNA position 1744, C replaced by G.
Molecular consequence: intron variant.
Genome position (GRCh38, 1-based): chr5:112,834,929, C>G. VCF-style: chr5-112834929-C-G. GRCh37 (hg19) VCF-style: chr5-112170626-C-G.
Other names: c.1744-22C>G (NM_001354895.2, NM_001127510.3); c.1774-22C>G (NM_001354897.2); c.1471-22C>G (NM_001354902.2); c.1690-22C>G (NM_001127511.3); c.1669-22C>G (NM_001354898.2); c.1366-22C>G (NM_001354904.2); c.895-22C>G (NM_001354906.2); c.1798-22C>G (NM_001354896.2); and 5 more.
Identifiers: ClinVar variation 1779246 (VCV001779246.2), dbSNP rs2149840516, ClinGen allele CA2580072463.